The following is an entry in ClinVar:

NM_004738.5(VAPB):c.655G>C (p.Gly219Arg)

Gene: VAPB (VAMP associated protein B and C; plus strand). Cytogenetic location: 20q13.32.
Variant type: single nucleotide variant.
Coding change: c.655G>C on transcript NM_004738.5 (MANE Select); coding-DNA position 655, G replaced by C.
Protein change: p.Gly219Arg; replaces glycine 219 with arginine.
Molecular consequence: missense variant. On other transcripts: non-coding transcript variant (1).
Genome position (GRCh38, 1-based): chr20:58,444,158, G>C. VCF-style: chr20-58444158-G-C. GRCh37 (hg19) VCF-style: chr20-57019214-G-C.
Other names: c.293G>C, p.Arg98Thr (NM_001195677.2); short protein forms G219R, R98T.
Identifiers: ClinVar variation 944345 (VCV000944345.10), dbSNP rs1989222522, ClinGen allele CA409440263.

ClinVar aggregate classification (germline): Uncertain significance (1 of 4 stars; one submission).

Conditions:
Adult-onset proximal spinal muscular atrophy, autosomal dominant. Also called: FINKEL LATE-ADULT TYPE SMA; Spinal muscular atrophy, late-onset, finkel type. Identifiers: Orphanet 209335, MedGen C1854058, MONDO:0008453, OMIM 182980.
Amyotrophic lateral sclerosis type 8 (ALS8). Identifiers: Orphanet 803, MedGen C1837728, MONDO:0012077, OMIM 608627.

Allele frequency attached by ClinVar (database versions not stated): gnomAD exomes below 0.00001; TOPMed below 0.00001; gnomAD 0.00001.

Submission:

Labcorp Genetics (formerly Invitae), Labcorp
Classification: Uncertain significance for Adult-onset proximal spinal muscular atrophy, autosomal dominant; Amyotrophic lateral sclerosis type 8. Last evaluated: 2019-05-16. Review status: criteria provided, single submitter. Criteria: Invitae Variant Classification Sherloc (09022015). Collection method: clinical testing. Allele origin: germline.
Comment: In summary, the available evidence is currently insufficient to determine the role of this variant in disease. Therefore, it has been classified as a Variant of Uncertain Significance. This sequence change replaces glycine with arginine at codon 219 of the VAPB protein (p.Gly219Arg). The glycine residue is moderately conserved and there is a moderate physicochemical difference between glycine and arginine. This variant is not present in population databases (ExAC no frequency). This variant has not been reported in the literature in individuals with VAPB-related conditions. Algorithms developed to predict the effect of missense changes on protein structure and function are either unavailable or do not agree on the potential impact of this missense change (SIFT: "Not Available"; PolyPhen-2: "Probably Damaging"; Align-GVGD: "Not Available").